The following is an entry in ClinVar:

NM_000660.7(TGFB1):c.354C>T (p.Asn118=)

Genes: TGFB1 (transforming growth factor beta 1; minus strand), LOC130064510 (ATAC-STARR-seq lymphoblastoid silent region 10661; plus strand). Cytogenetic location: 19q13.2.
Variant type: single nucleotide variant.
Coding change: c.354C>T on transcript NM_000660.7 (MANE Select); coding-DNA position 354, C replaced by T.
Protein change: p.Asn118=; no amino-acid change (asparagine 118 retained).
Molecular consequence: synonymous variant.
Genome position (GRCh38, 1-based): chr19:41,352,691, G>A on the plus strand (C>T on the coding strand, the complement: TGFB1 is on the minus strand). VCF-style: chr19-41352691-G-A. GRCh37 (hg19) VCF-style: chr19-41858596-G-A.
Identifiers: ClinVar variation 2094809 (VCV002094809.4), dbSNP rs2038222572, ClinGen allele CA507689718.

ClinVar aggregate classification (germline): Uncertain significance (1 of 4 stars; one submission).

Submission:

Labcorp Genetics (formerly Invitae), Labcorp
Classification: Uncertain significance. Last evaluated: 2022-02-08. Review status: criteria provided, single submitter. Criteria: Invitae Variant Classification Sherloc (09022015). Collection method: clinical testing. Allele origin: germline.
Comment: In summary, the available evidence is currently insufficient to determine the role of this variant in disease. Therefore, it has been classified as a Variant of Uncertain Significance. Algorithms developed to predict the effect of sequence changes on RNA splicing suggest that this variant is not likely to affect RNA splicing. This variant has not been reported in the literature in individuals affected with TGFB1-related conditions. This variant is not present in population databases (gnomAD no frequency). This sequence change affects codon 118 of the TGFB1 mRNA. It is a 'silent' change, meaning that it does not change the encoded amino acid sequence of the TGFB1 protein. It affects a nucleotide within the consensus splice site.